The following is an entry in ClinVar:

ClinVar aggregate classification (germline): Uncertain significance. Review status: criteria provided, multiple submitters, no conflicts (2 of 4 stars). 2 submissions from 2 submitters: Uncertain significance (2). Last evaluated 2026-05-11.

Conditions:
PPARG-related disorder. Also called: PPARG-related condition; PPARG-related disorders.

gnomAD v4.1: 8 of 1,609,078 alleles (0.0005%); highest among the groups gnomAD compares: East Asian, 0.0045%; no homozygotes.

Submissions (2):

PreventionGenetics, part of Exact Sciences
Classification: Uncertain significance for PPARG-related condition. Last evaluated: 2026-05-11. Review status: criteria provided, single submitter. Criteria: ACMG Guidelines, 2015. Collection method: clinical testing. Allele origin: germline.
Comment: The PPARG c.289C>G variant is predicted to result in the amino acid substitution p.Leu97Val. To our knowledge, this variant has not been reported in the literature. This variant is reported in 0.0029% of alleles in individuals of Latino descent in gnomAD. At this time, the clinical significance of this variant is uncertain due to the absence of conclusive functional and genetic evidence.

Labcorp Genetics (formerly Invitae), Labcorp
Classification: Uncertain significance. Last evaluated: 2024-12-12. Review status: criteria provided, single submitter. Criteria: Invitae Variant Classification Sherloc (09022015). Collection method: clinical testing. Allele origin: germline.
Comment: This sequence change replaces leucine, which is neutral and non-polar, with valine, which is neutral and non-polar, at codon 97 of the PPARG protein (p.Leu97Val). This variant is present in population databases (no rsID available, gnomAD 0.003%). This variant has not been reported in the literature in individuals affected with PPARG-related conditions. Invitae Evidence Modeling of protein sequence and biophysical properties (such as structural, functional, and spatial information, amino acid conservation, physicochemical variation, residue mobility, and thermodynamic stability) indicates that this missense variant is not expected to disrupt PPARG protein function with a negative predictive value of 95%. In summary, the available evidence is currently insufficient to determine the role of this variant in disease. Therefore, it has been classified as a Variant of Uncertain Significance.

NM_138711.6(PPARG):c.199C>G (p.Leu67Val)

Gene: PPARG (peroxisome proliferator activated receptor gamma; plus strand). Cytogenetic location: 3p25.2.
Variant type: single nucleotide variant.
Coding change: c.199C>G on transcript NM_138711.6 (MANE Select); coding-DNA position 199, C replaced by G.
Protein change: p.Leu67Val; replaces leucine 67 with valine.
Molecular consequence: missense variant. On other transcripts: 5 prime UTR variant (1).
Genome position (GRCh38, 1-based): chr3:12,379,910, C>G. VCF-style: chr3-12379910-C-G. GRCh37 (hg19) VCF-style: chr3-12421409-C-G.
Other names: c.199C>G, p.Leu67Val (NM_001330615.4, NM_001354666.3, NM_001354667.3 and 6 more transcripts); c.289C>G, p.Leu97Val (NM_001354668.2, NM_001374265.1, NM_015869.5); c.-229C>G (NM_001354669.2); c.205C>G, p.Leu69Val (NM_001354670.2, NM_001374266.1); c.289C>G (NM_015869.4); short protein forms L67V, L69V, L97V.
Identifiers: ClinVar variation 3620802 (VCV003620802.3).